The following is an entry in ClinVar:

ClinVar aggregate classification (germline): Likely benign. Review status: criteria provided, single submitter (1 of 4 stars). 2 submissions from 2 submitters: Likely benign (1). 1 of the submissions does not count toward it. Last evaluated 2022-11-22.

Conditions:
GPR179-related disorder. Also called: GPR179-related condition.

gnomAD v4.1: 2 of 1,612,206 alleles (0.00012%); no homozygotes.

Submissions (2):

Labcorp Genetics (formerly Invitae), Labcorp
Classification: Likely benign. Last evaluated: 2022-11-22. Review status: criteria provided, single submitter. Criteria: Invitae Variant Classification Sherloc (09022015). Collection method: clinical testing. Allele origin: germline.

PreventionGenetics, part of Exact Sciences
Classification: Likely benign for GPR179-related condition. Last evaluated: 2019-06-12. Review status: no assertion criteria provided. Collection method: clinical testing. Allele origin: germline. Not counted in ClinVar's aggregate classification.
Comment: This variant is classified as likely benign based on ACMG/AMP sequence variant interpretation guidelines (Richards et al. 2015 PMID: 25741868, with internal and published modifications).

NM_001004334.4(GPR179):c.2583G>A (p.Glu861=)

Gene: GPR179 (G protein-coupled receptor 179; minus strand). Cytogenetic location: 17q12.
Variant type: single nucleotide variant.
Coding change: c.2583G>A on transcript NM_001004334.4 (MANE Select); coding-DNA position 2583, G replaced by A.
Protein change: p.Glu861=; no amino-acid change (glutamic acid 861 retained).
Molecular consequence: synonymous variant.
Genome position (GRCh38, 1-based): chr17:38,330,986, C>T on the plus strand (G>A on the coding strand, the complement: GPR179 is on the minus strand). VCF-style: chr17-38330986-C-T. GRCh37 (hg19) VCF-style: chr17-36486869-C-T.
Other names: c.2583G>A (NM_001004334.3).
Identifiers: ClinVar variation 1610919 (VCV001610919.10), dbSNP rs371135458, ClinGen allele CA771711359.